The following is an entry in ClinVar:

ClinVar aggregate classification (germline): Likely benign. Review status: criteria provided, single submitter (1 of 4 stars). 2 submissions from 2 submitters: Likely benign (1). 1 of the submissions does not count toward it. Last evaluated 2025-12-27.

Conditions:
CRB2-related disorder. Also called: CRB2-related condition; CRB2-related disorders.

Allele frequency attached by ClinVar (database versions not stated): ExAC 0.00001; gnomAD exomes 0.00003; TOPMed 0.00006; gnomAD 0.00007.

Submissions (2):

Labcorp Genetics (formerly Invitae), Labcorp
Classification: Likely benign. Last evaluated: 2025-12-27. Review status: criteria provided, single submitter. Criteria: Invitae Variant Classification Sherloc (09022015). Collection method: clinical testing. Allele origin: germline.

PreventionGenetics, part of Exact Sciences
Classification: Likely benign for CRB2-related condition. Last evaluated: 2022-12-19. Review status: no assertion criteria provided. Collection method: clinical testing. Allele origin: germline. Not counted in ClinVar's aggregate classification.
Comment: This variant is classified as likely benign based on ACMG/AMP sequence variant interpretation guidelines (Richards et al. 2015 PMID: 25741868, with internal and published modifications).

NM_173689.7(CRB2):c.1719C>T (p.Asp573=)

Gene: CRB2 (crumbs cell polarity complex component 2; plus strand). Cytogenetic location: 9q33.3.
Variant type: single nucleotide variant.
Coding change: c.1719C>T on transcript NM_173689.7 (MANE Select); coding-DNA position 1719, C replaced by T.
Protein change: p.Asp573=; no amino-acid change (aspartic acid 573 retained).
Molecular consequence: synonymous variant. On other transcripts: non-coding transcript variant (1).
Genome position (GRCh38, 1-based): chr9:123,370,772, C>T. VCF-style: chr9-123370772-C-T. GRCh37 (hg19) VCF-style: chr9-126133051-C-T.
Other names: c.1719C>T (NM_173689.6).
Identifiers: ClinVar variation 2168984 (VCV002168984.6), dbSNP rs777527922, ClinGen allele CA5232032.
Genomic context (GRCh38, chr9:123,370,772, plus strand): 5'-GGCTTCCACGGCTTCGGCAACTCCGCTGCCTGCCGGGATCTCCTCTGCCCAGCTGGGGGA[C>T]GCGACCTTTGCAGGCTGCCTCCAGGACGTGCGTGTGGATGGCCACCTCCTGCTGCCTGAG-3'
Protein context (NP_775960.4, residues 563-583): PAGISSAQLG[Asp573=]ATFAGCLQDV